The following is an entry in ClinVar:

NM_002292.4(LAMB2):c.4100G>C (p.Arg1367Pro)

Gene: LAMB2 (laminin subunit beta 2; minus strand). Cytogenetic location: 3p21.31.
Variant type: single nucleotide variant.
Coding change: c.4100G>C on transcript NM_002292.4 (MANE Select); coding-DNA position 4100, G replaced by C.
Protein change: p.Arg1367Pro; replaces arginine 1367 with proline.
Molecular consequence: missense variant.
Genome position (GRCh38, 1-based): chr3:49,123,256, C>G on the plus strand (G>C on the coding strand, the complement: LAMB2 is on the minus strand). VCF-style: chr3-49123256-C-G. GRCh37 (hg19) VCF-style: chr3-49160689-C-G.
Other names: short protein forms R1367P.
Identifiers: ClinVar variation 1429698 (VCV001429698.8), dbSNP rs753524295, ClinGen allele CA2393872.

ClinVar aggregate classification (germline): Uncertain significance (1 of 4 stars; one submission).

Conditions:
Pierson syndrome. Also called: MICROCORIA-CONGENITAL NEPHROTIC SYNDROME. Identifiers: Orphanet 2670, MedGen C1836876, MONDO:0012184, OMIM 609049.
LAMB2-related infantile-onset nephrotic syndrome. Also called: NEPHROTIC SYNDROME, TYPE 5, WITHOUT OCULAR ABNORMALITIES; NEPHROTIC SYNDROME, TYPE 5, WITH OCULAR ABNORMALITIES; Nephrotic Syndrome, type 5. Identifiers: Orphanet 306507, MedGen C3280113, MONDO:0013621, OMIM 614199.

Allele frequency attached by ClinVar (database versions not stated): ExAC 0.00002; gnomAD exomes 0.00002.
gnomAD v4.1: 48 of 1,613,956 alleles (0.003%); highest among the groups gnomAD compares: Non-Finnish European, 0.0039%; no homozygotes.

Submission:

Labcorp Genetics (formerly Invitae), Labcorp
Classification: Uncertain significance for LAMB2-related infantile-onset nephrotic syndrome; Pierson syndrome. Last evaluated: 2022-03-05. Review status: criteria provided, single submitter. Criteria: Invitae Variant Classification Sherloc (09022015). Collection method: clinical testing. Allele origin: germline.
Comment: This sequence change replaces arginine, which is basic and polar, with proline, which is neutral and non-polar, at codon 1367 of the LAMB2 protein (p.Arg1367Pro). This variant is present in population databases (rs753524295, gnomAD 0.006%). This variant has not been reported in the literature in individuals affected with LAMB2-related conditions. Algorithms developed to predict the effect of missense changes on protein structure and function (SIFT, PolyPhen-2, Align-GVGD) all suggest that this variant is likely to be disruptive. In summary, the available evidence is currently insufficient to determine the role of this variant in disease. Therefore, it has been classified as a Variant of Uncertain Significance.